The following is an entry in ClinVar:

NM_000297.4(PKD2):c.233C>T (p.Pro78Leu)

Genes: PKD2 (polycystin 2, transient receptor potential cation channel; plus strand), LOC129992813 (ATAC-STARR-seq lymphoblastoid silent region 15559; plus strand). Cytogenetic location: 4q22.1.
Variant type: single nucleotide variant.
Coding change: c.233C>T on transcript NM_000297.4 (MANE Select); coding-DNA position 233, C replaced by T.
Protein change: p.Pro78Leu; replaces proline 78 with leucine.
Molecular consequence: missense variant. On other transcripts: non-coding transcript variant (1).
Genome position (GRCh38, 1-based): chr4:88,007,966, C>T. VCF-style: chr4-88007966-C-T. GRCh37 (hg19) VCF-style: chr4-88929118-C-T.
Other names: c.233C>T (NM_000297.3); short protein forms P78L.
Identifiers: ClinVar variation 2170873 (VCV002170873.6), dbSNP rs2476357428, ClinGen allele CA357625808.
Genomic context (GRCh38, chr4:88,007,966, plus strand): 5'-GCATCCGGCAGGCGGCCGCGCGGGACCCCCCGGCCGGAGCCGCGGCCTCCCCTTCTCCTC[C>T]GCTCTCGTCGTGCTCCCGGCAGGCGTGGAGCCGCGATAACCCCGGCTTCGAGGCCGAGGA-3'
Protein context (NP_000288.1, residues 68-88): PAGAAASPSP[Pro78Leu]LSSCSRQAWS

ClinVar aggregate classification (germline): Uncertain significance. Review status: criteria provided, multiple submitters, no conflicts (2 of 4 stars). 2 submissions from 2 submitters: Uncertain significance (2). Last evaluated 2025-01-01.

Conditions:
Inborn genetic diseases. Identifiers: MedGen C0950123, MeSH D030342.
Autosomal dominant polycystic kidney disease. Identifiers: Orphanet 730, MedGen C0085413, MONDO:0004691.

gnomAD v4.1: 1 of 1,498,102 alleles (0.000067%); no homozygotes.

Submissions (2):

Labcorp Genetics (formerly Invitae), Labcorp
Classification: Uncertain significance for Autosomal dominant polycystic kidney disease. Last evaluated: 2025-01-01. Review status: criteria provided, single submitter. Criteria: Invitae Variant Classification Sherloc (09022015). Collection method: clinical testing. Allele origin: germline.
Comment: This sequence change replaces proline, which is neutral and non-polar, with leucine, which is neutral and non-polar, at codon 78 of the PKD2 protein (p.Pro78Leu). This variant is not present in population databases (gnomAD no frequency). This variant has not been reported in the literature in individuals affected with PKD2-related conditions. ClinVar contains an entry for this variant (Variation ID: 2170873). An algorithm developed to predict the effect of missense changes on protein structure and function (PolyPhen-2) suggests that this variant is likely to be disruptive. In summary, the available evidence is currently insufficient to determine the role of this variant in disease. Therefore, it has been classified as a Variant of Uncertain Significance.

Ambry Genetics
Classification: Uncertain significance for Inborn genetic diseases. Last evaluated: 2023-05-31. Review status: criteria provided, single submitter. Criteria: Ambry Variant Classification Scheme 2023. Collection method: clinical testing. Allele origin: germline.